The following is an entry in ClinVar:

ClinVar aggregate classification (germline): Likely benign. Review status: criteria provided, multiple submitters, no conflicts (2 of 4 stars). 2 submissions from 2 submitters: Likely benign (2). Last evaluated 2024-05-28.

Conditions:
Familial cancer of breast. Also called: Hereditary breast cancer; BREAST CANCER, FAMILIAL; hereditary breast carcinoma. Identifiers: Orphanet 227535, MedGen C0346153, MONDO:0016419, OMIM 114480. Disease mechanism: loss of function.
Hereditary cancer-predisposing syndrome. Also called: Tumor predisposition; Hereditary neoplastic syndrome; Neoplastic Syndromes, Hereditary; Hereditary Cancer Syndrome. Identifiers: Orphanet 140162, MedGen C0027672, MeSH D009386, MONDO:0015356.

Submissions (2):

Myriad Genetics, Inc.
Classification: Likely benign for Familial cancer of breast. Last evaluated: 2024-05-28. Review status: criteria provided, single submitter. Criteria: Myriad Autosomal Dominant, Autosomal Recessive and X-Linked Classification Criteria (2023). Collection method: clinical testing. Allele origin: unknown.
Comment: This variant is considered likely benign. This variant is intronic and is not expected to impact mRNA splicing.

Color Diagnostics, LLC DBA Color Health
Classification: Likely benign for Hereditary cancer-predisposing syndrome. Last evaluated: 2020-08-25. Review status: criteria provided, single submitter. Criteria: ACMG Guidelines, 2015. Collection method: clinical testing. Allele origin: germline.

NM_000051.4(ATM):c.5919-10T>C

Genes: ATM (ATM serine/threonine kinase; plus strand), C11orf65 (chromosome 11 open reading frame 65; minus strand). Cytogenetic location: 11q22.3.
Variant type: single nucleotide variant.
Coding change: c.5919-10T>C on transcript NM_000051.4 (MANE Select); 10 bases into the intron before coding-DNA position 5919, T replaced by C.
Molecular consequence: intron variant.
Genome position (GRCh38, 1-based): chr11:108,312,401, T>C. VCF-style: chr11-108312401-T-C. GRCh37 (hg19) VCF-style: chr11-108183128-T-C.
Other names: c.5919-10T>C (NM_001351834.2); c.641-3330A>G (NM_001330368.2); c.*39-3330A>G (NM_001351110.2).
Identifiers: ClinVar variation 629249 (VCV000629249.6), dbSNP rs1565493312, ClinGen allele CA913188496.
Genomic context (GRCh38, chr11:108,312,401, plus strand): 5'-TATAGTATATGTATTCAGGAGCTTCCAAATAGTATGTTCTCATTAAAAGAGGTGTTCTTG[T>C]GACAAACAGAAGTCTTGCATTTGAAGAAGGAAGCCAGAGTACAACTATTTCTAGCTTGAG-3'